The following is an entry in ClinVar:

ClinVar aggregate classification (germline): Likely benign (1 of 4 stars; one submission).

Conditions:
SLC12A2-related disorder. Also called: SLC12A2-related disorders; SLC12A2-related condition.

Submission:

PreventionGenetics, part of Exact Sciences
Classification: Likely benign for SLC12A2-related condition. Last evaluated: 2026-07-23. Review status: criteria provided, single submitter. Criteria: ACMG Guidelines, 2015. Collection method: clinical testing. Allele origin: germline.
Comment: This variant is classified as likely benign based on ACMG/AMP sequence variant interpretation guidelines (Richards et al. 2015 PMID: 25741868, with internal and published modifications).

NM_001046.3(SLC12A2):c.1299+10G>T

Gene: SLC12A2 (solute carrier family 12 member 2; plus strand). Cytogenetic location: 5q23.3.
Variant type: single nucleotide variant.
Coding change: c.1299+10G>T on transcript NM_001046.3 (MANE Select); 10 bases into the intron after coding-DNA position 1299, G replaced by T.
Molecular consequence: intron variant.
Genome position (GRCh38, 1-based): chr5:128,134,285, G>T. VCF-style: chr5-128134285-G-T. GRCh37 (hg19) VCF-style: chr5-127469977-G-T.
Other names: c.1299+10G>T (NM_001256461.2).
Identifiers: ClinVar variation 5001050 (VCV005001050.1).